The following is an entry in ClinVar:

ClinVar aggregate classification (germline): Uncertain significance (1 of 4 stars; one submission).

Submission:

Labcorp Genetics (formerly Invitae), Labcorp
Classification: Uncertain significance. Last evaluated: 2023-07-24. Review status: criteria provided, single submitter. Criteria: Invitae Variant Classification Sherloc (09022015). Collection method: clinical testing. Allele origin: germline.
Comment: This sequence change replaces valine, which is neutral and non-polar, with alanine, which is neutral and non-polar, at codon 141 of the CACNA1D protein (p.Val141Ala). This variant is not present in population databases (gnomAD no frequency). This variant has not been reported in the literature in individuals affected with CACNA1D-related conditions. Advanced modeling of protein sequence and biophysical properties (such as structural, functional, and spatial information, amino acid conservation, physicochemical variation, residue mobility, and thermodynamic stability) performed at Invitae indicates that this missense variant is not expected to disrupt CACNA1D protein function. In summary, the available evidence is currently insufficient to determine the role of this variant in disease. Therefore, it has been classified as a Variant of Uncertain Significance.

NM_001128840.3(CACNA1D):c.422T>C (p.Val141Ala)

Gene: CACNA1D (calcium voltage-gated channel subunit alpha1 D; plus strand). Cytogenetic location: 3p21.1.
Variant type: single nucleotide variant.
Coding change: c.422T>C on transcript NM_001128840.3 (MANE Select); coding-DNA position 422, T replaced by C.
Protein change: p.Val141Ala; replaces valine 141 with alanine.
Molecular consequence: missense variant.
Genome position (GRCh38, 1-based): chr3:53,501,659, T>C. VCF-style: chr3-53501659-T-C. GRCh37 (hg19) VCF-style: chr3-53535686-T-C.
Other names: c.422T>C, p.Val141Ala (NM_000720.4, NM_001128839.3); short protein forms V141A.
Identifiers: ClinVar variation 2907811 (VCV002907811.3), dbSNP rs2471540849, ClinGen allele CA353382710.